The following is an entry in ClinVar:

NM_006567.5(FARS2):c.1269_1276dup (p.Ser426Ter)

Gene: FARS2 (phenylalanyl-tRNA synthetase 2, mitochondrial; plus strand). Cytogenetic location: 6p25.1.
Variant type: Duplication.
Coding change: c.1269_1276dup on transcript NM_006567.5 (MANE Select); coding-DNA positions 1269 to 1276, 8 bases duplicated (GACTCTGT; older notation c.1269_1276dupGACTCTGT).
Protein change: p.Ser426Ter; replaces serine 426 with a stop codon.
Molecular consequence: nonsense.
Genome position (GRCh38, 1-based): chr6:5,771,342-5,771,349, GACTCTGT duplicated. VCF-style (leftmost placement, unchanged base first): chr6-5771341-G-GGACTCTGT. GRCh37 (hg19) VCF-style: chr6-5771574-G-GGACTCTGT.
Other names: c.1269_1276dup, p.Ser426Ter (NM_001318872.2, NM_001374875.1, NM_001374876.1 and 4 more transcripts); c.1137_1144dup, p.Ser382Ter (NM_001375258.1); c.573_580dup, p.Ser194Ter (NM_001375259.1, NM_001375260.1); short protein forms S194*, S382*, S426*.
Identifiers: ClinVar variation 973744 (VCV000973744.4), dbSNP rs1561847309, ClinGen allele CA565282768.
Genomic context (GRCh38, chr6:5,771,341, plus strand): 5'-CTCTCTGTAGGACGCACAAGACCAGCCACTGCTACCGCATCACGTACCGCCACATGGAAC[G>GGACTCTGT]GACTCTGTCCCAGAGAGAGGTCAGGCACATCCACCAGGCCTTGCAGGAGGCTGCAGTCCA-3'

ClinVar aggregate classification (germline): Likely pathogenic. Review status: criteria provided, single submitter (1 of 4 stars). 2 submissions from 2 submitters: Likely pathogenic (1). 1 of the submissions does not count toward it. Last evaluated 2022-11-07.

Conditions:
Combined oxidative phosphorylation defect type 14. Also called: Combined oxidative phosphorylation deficiency 14. Identifiers: Orphanet 319519, MedGen C4755312, MONDO:0013986, OMIM 614946.

Allele frequency attached by ClinVar (database versions not stated): gnomAD exomes below 0.00001.

Submissions (2):

Labcorp Genetics (formerly Invitae), Labcorp
Classification: Likely pathogenic for Combined oxidative phosphorylation defect type 14. Last evaluated: 2022-11-07. Review status: criteria provided, single submitter. Criteria: Invitae Variant Classification Sherloc (09022015). Collection method: clinical testing. Allele origin: germline.
Comment: In summary, the currently available evidence indicates that the variant is pathogenic, but additional data are needed to prove that conclusively. Therefore, this variant has been classified as Likely Pathogenic. Studies have shown that this premature translational stop signal alters FARS2 gene expression (PMID: 33168986). ClinVar contains an entry for this variant (Variation ID: 973744). This premature translational stop signal has been observed in individual(s) with FARS2-related conditions (PMID: 33168986). In at least one individual the data is consistent with being in trans (on the opposite chromosome) from a pathogenic variant. This variant is present in population databases (no rsID available, gnomAD 0.006%). This sequence change creates a premature translational stop signal (p.Ser426*) in the FARS2 gene. While this is not anticipated to result in nonsense mediated decay, it is expected to disrupt the last 26 amino acid(s) of the FARS2 protein.

Laboratoire de Génétique Moléculaire Institut de Recherche Necker Enfants Malades, CHU Paris - Hôpital Necker-Enfants Malades
Classification: Pathogenic for Combined oxidative phosphorylation deficiency 14. Last evaluated: 2019-12-12. Review status: no assertion criteria provided. Collection method: clinical testing. Allele origin: germline. Affected: yes. Not counted in ClinVar's aggregate classification.

Literature cited by the submitters: PubMed 33168986 (cited by Labcorp Genetics (formerly Invitae), Labcorp).